The following is an entry in ClinVar:

ClinVar aggregate classification (germline): Pathogenic (1 of 4 stars; one submission).

Conditions:
Combined immunodeficiency due to LRBA deficiency. Also called: Common variable immunodeficiency 8, with autoimmunity. Identifiers: Orphanet 445018, MedGen C3553512, MONDO:0013863, OMIM 614700.

Submission:

Labcorp Genetics (formerly Invitae), Labcorp
Classification: Pathogenic for Combined immunodeficiency due to LRBA deficiency. Last evaluated: 2020-01-14. Review status: criteria provided, single submitter. Criteria: Invitae Variant Classification Sherloc (09022015). Collection method: clinical testing. Allele origin: germline.
Comment: For these reasons, this variant has been classified as Pathogenic. Loss-of-function variants in LRBA are known to be pathogenic (PMID: 26206937, 26768763). This variant has not been reported in the literature in individuals with LRBA-related conditions. This variant is not present in population databases (ExAC no frequency). This sequence change creates a premature translational stop signal (p.Thr1163*) in the LRBA gene. It is expected to result in an absent or disrupted protein product.

Literature cited by the submitters: PubMed 26206937; PubMed 26768763.

NM_001364905.1(LRBA):c.3487_3488del (p.Val1162_Thr1163insTer)

Gene: LRBA (LPS responsive beige-like anchor protein; minus strand). Cytogenetic location: 4q31.3.
Variant type: Deletion.
Coding change: c.3487_3488del on transcript NM_001364905.1 (MANE Select); coding-DNA positions 3487 to 3488, 2 bases deleted (AC; older notation c.3487_3488delAC).
Protein change: p.Val1162_Thr1163insTer.
Molecular consequence: nonsense. On other transcripts: frameshift variant (2).
Genome position (GRCh38, 1-based): chr4:150,852,222-150,852,223, GT deleted on the plus strand (AC on the coding strand, the reverse complement: LRBA is on the minus strand). VCF-style (leftmost placement, unchanged base first): chr4-150852221-AGT-A. GRCh37 (hg19) VCF-style: chr4-151773373-AGT-A.
Other names: c.3487_3488delAC, p.Thr1163Terfs (NM_001199282.3, NM_006726.5); c.3487_3488del, p.Val1162_Thr1163insTer (NM_001367550.1).
Identifiers: ClinVar variation 938617 (VCV000938617.7), dbSNP rs1750701604, ClinGen allele CA1139658675.